The following is an entry in ClinVar:

ClinVar aggregate classification (germline): Benign (1 of 4 stars; one submission).

Conditions:
Gamma-aminobutyric acid transaminase deficiency (GABATD). Also called: GABA aminotransaminase deficiency; GABA transaminase deficiency; Gamma aminobutyrate transaminase deficiency; 4 alpha aminobutyrate transaminase deficiency. Identifiers: Orphanet 2066, MedGen C0342708, MONDO:0013166, OMIM 613163.

Allele frequency attached by ClinVar (database versions not stated): gnomAD 0.02340 and 0.02409; 1000 Genomes Project 0.02556; TOPMed 0.02625; 1000 Genomes Project 30x 0.02655.

Submission:

Illumina Laboratory Services, Illumina
Classification: Benign for Gamma-aminobutyric acid transaminase deficiency. Last evaluated: 2018-01-12. Review status: criteria provided, single submitter. Criteria: ICSL Variant Classification Criteria 13 December 2019. Collection method: clinical testing. Allele origin: germline.
Comment: This variant was observed in the ICSL laboratory as part of a predisposition screen in an ostensibly healthy population. It had not been previously curated by ICSL or reported in the Human Gene Mutation Database (HGMD: prior to June 1st, 2018), and was therefore a candidate for classification through an automated scoring system. Utilizing variant allele frequency, disease prevalence and penetrance estimates, and inheritance mode, an automated score was calculated to assess if this variant is too frequent to cause the disease. Based on the score and internal cut-off values, a variant classified as benign is not then subjected to further curation. The score for this variant resulted in a classification of benign for this disease.

NM_020686.6(ABAT):c.*1501A>G

Gene: ABAT (4-aminobutyrate aminotransferase; plus strand). Cytogenetic location: 16p13.2.
Variant type: single nucleotide variant.
Coding change: c.*1501A>G on transcript NM_020686.6 (MANE Select); 1501 bases downstream of the stop codon, A replaced by G.
Molecular consequence: 3 prime UTR variant.
Genome position (GRCh38, 1-based): chr16:8,782,931, A>G. VCF-style: chr16-8782931-A-G. GRCh37 (hg19) VCF-style: chr16-8876788-A-G.
Other names: c.*1501A>G (NM_000663.5, NM_001127448.2, NM_001386600.1 and 14 more transcripts); c.*1515A>G (NM_001386609.1, NM_001386616.1).
Identifiers: ClinVar variation 321121 (VCV000321121.5), dbSNP rs17651562, ClinGen allele CA10638541.
Genomic context (GRCh38, chr16:8,782,931, plus strand): 5'-CAAGGTTCCTGATTCAGCACTTTGCTCTTTTAATAACAAATCGTCCAAAGATCTCAAAGT[A>G]AGGGTTTTTTTTTTTAGCTTCCACTCTTCCGCAGACTTGGTCATCGACCTATTTTTGTTG-3'